The following is an entry in ClinVar:

NM_001080512.3(BICC1):c.1738A>G (p.Lys580Glu)

Gene: BICC1 (BicC family RNA binding protein 1; plus strand). Cytogenetic location: 10q21.1.
Variant type: single nucleotide variant.
Coding change: c.1738A>G on transcript NM_001080512.3 (MANE Select); coding-DNA position 1738, A replaced by G.
Protein change: p.Lys580Glu; replaces lysine 580 with glutamic acid.
Molecular consequence: missense variant.
Genome position (GRCh38, 1-based): chr10:58,800,206, A>G. VCF-style: chr10-58800206-A-G. GRCh37 (hg19) VCF-style: chr10-60559966-A-G.
Other names: p.Lys580Glu; short protein forms K580E.
Identifiers: ClinVar variation 3379962 (VCV003379962.1).

ClinVar aggregate classification (germline): Uncertain significance (1 of 4 stars; one submission).

Submission:

Mayo Clinic Laboratories, Mayo Clinic
Classification: Uncertain significance. Last evaluated: 2023-08-31. Review status: criteria provided, single submitter. Criteria: ACMG Guidelines, 2015. Collection method: clinical testing. Allele origin: germline. Observed: 1 variant allele.
Comment: BP4, PM2